The following is an entry in ClinVar:

ClinVar aggregate classification (germline): Uncertain significance. Review status: criteria provided, multiple submitters, no conflicts (2 of 4 stars). 2 submissions from 2 submitters: Uncertain significance (2). Last evaluated 2026-06-24.

Conditions:
PLEC-related disorder. Also called: PLEC-related condition; PLEC-related disorders.
Epidermolysis bullosa simplex 5C, with pyloric atresia (EBS5C). Also called: PLEC-Related Epidermolysis Bullosa with Pyloric Atresia; Epidermolysis bullosa simplex with pyloric atresia; PLEC1-Related Epidermolysis Bullosa with Pyloric Atresia. Identifiers: Orphanet 158684, MedGen C2677349, MONDO:0012807, OMIM 612138.
Epidermolysis bullosa simplex 5B, with muscular dystrophy (EBS5B). Also called: Epidermolysis bullosa simplex with muscular dystrophy; EPIDERMOLYSIS BULLOSA SIMPLEX AND LIMB-GIRDLE MUSCULAR DYSTROPHY. Identifiers: Orphanet 257, MedGen C2931072, MONDO:0009181, OMIM 226670.
Epidermolysis bullosa simplex, Ogna type (EBS5A). Also called: Pidermolysis bullosa simplex 5A, Ogna type; EPIDERMOLYSIS BULLOSA SIMPLEX 5A, OGNA TYPE. Identifiers: Orphanet 79401, MedGen C0432317, MONDO:0007555, OMIM 131950.
Epidermolysis bullosa simplex with nail dystrophy (EBS5D). Identifiers: MedGen C4225309, MONDO:0014661, OMIM 616487.
Autosomal recessive limb-girdle muscular dystrophy type 2Q (LGMDR17). Also called: MUSCULAR DYSTROPHY, LIMB-GIRDLE, AUTOSOMAL RECESSIVE 17. Identifiers: Orphanet 254361, MedGen C3150989, MONDO:0013390, OMIM 613723.

Allele frequency attached by ClinVar (database versions not stated): gnomAD exomes below 0.00001; gnomAD 0.00001.
gnomAD v4.1: 3 of 1,598,622 alleles (0.00019%); highest among the groups gnomAD compares: South Asian, 0.0011%; no homozygotes.

Submissions (2):

PreventionGenetics, part of Exact Sciences
Classification: Uncertain significance for PLEC-related condition. Last evaluated: 2026-06-24. Review status: criteria provided, single submitter. Criteria: ACMG Guidelines, 2015. Collection method: clinical testing. Allele origin: germline.
Comment: The PLEC c.11780C>T variant is predicted to result in the amino acid substitution p.Ser3927Leu. To our knowledge, this variant has not been reported in the literature or in a large population database (gnomAD), indicating this variant is rare. At this time, the clinical significance of this variant is uncertain due to the absence of conclusive functional and genetic evidence.

Labcorp Genetics (formerly Invitae), Labcorp
Classification: Uncertain significance for Autosomal recessive limb-girdle muscular dystrophy type 2Q; Epidermolysis bullosa simplex, Ogna type; Epidermolysis bullosa simplex with nail dystrophy; Epidermolysis bullosa simplex 5C, with pyloric atresia; Epidermolysis bullosa simplex 5B, with muscular dystrophy. Last evaluated: 2021-10-19. Review status: criteria provided, single submitter. Criteria: Invitae Variant Classification Sherloc (09022015). Collection method: clinical testing. Allele origin: germline.
Comment: In summary, the available evidence is currently insufficient to determine the role of this variant in disease. Therefore, it has been classified as a Variant of Uncertain Significance. This sequence change replaces serine with leucine at codon 3927 of the PLEC protein (p.Ser3927Leu). The serine residue is highly conserved and there is a large physicochemical difference between serine and leucine. This variant is not present in population databases (ExAC no frequency). This variant has not been reported in the literature in individuals affected with PLEC-related conditions. Algorithms developed to predict the effect of missense changes on protein structure and function (SIFT, PolyPhen-2, Align-GVGD) all suggest that this variant is likely to be disruptive.

NM_201384.3(PLEC):c.11699C>T (p.Ser3900Leu)

Gene: PLEC (plectin; minus strand). Cytogenetic location: 8q24.3.
Variant type: single nucleotide variant.
Coding change: c.11699C>T on transcript NM_201384.3 (MANE Select); coding-DNA position 11699, C replaced by T.
Protein change: p.Ser3900Leu; replaces serine 3900 with leucine.
Molecular consequence: missense variant.
Genome position (GRCh38, 1-based): chr8:143,918,122, G>A on the plus strand (C>T on the coding strand, the complement: PLEC is on the minus strand). VCF-style: chr8-143918122-G-A. GRCh37 (hg19) VCF-style: chr8-144992290-G-A.
Other names: c.11780C>T (NM_000445.4); c.11780C>T, p.Ser3927Leu (NM_000445.5); c.11657C>T, p.Ser3886Leu (NM_201378.4); c.11633C>T, p.Ser3878Leu (NM_201379.3); c.12110C>T, p.Ser4037Leu (NM_201380.4); c.11603C>T, p.Ser3868Leu (NM_201381.3); c.11699C>T, p.Ser3900Leu (NM_201382.4); c.11711C>T, p.Ser3904Leu (NM_201383.3); short protein forms S3868L, S3904L, S3878L, S3886L, S3900L, S4037L, S3927L.
Identifiers: ClinVar variation 1491265 (VCV001491265.7), dbSNP rs1821166848, ClinGen allele CA372488962.